The following is an entry in ClinVar:

NM_014738.6(TMEM94):c.953A>G (p.Gln318Arg)

Gene: TMEM94 (transmembrane protein 94; plus strand). Cytogenetic location: 17q25.1.
Variant type: single nucleotide variant.
Coding change: c.953A>G on transcript NM_014738.6 (MANE Select); coding-DNA position 953, A replaced by G.
Protein change: p.Gln318Arg; replaces glutamine 318 with arginine.
Molecular consequence: missense variant.
Genome position (GRCh38, 1-based): chr17:75,489,661, A>G. VCF-style: chr17-75489661-A-G. GRCh37 (hg19) VCF-style: chr17-73485742-A-G.
Other names: c.983A>G, p.Gln328Arg (NM_001321148.2, NM_001351203.2); c.953A>G, p.Gln318Arg (NM_001321149.2, NM_001351202.2); short protein forms Q318R, Q328R.
Identifiers: ClinVar variation 161682 (VCV000161682.2), dbSNP rs193921068, ClinGen allele CA333569.
Genomic context (GRCh38, chr17:75,489,661, plus strand): 5'-TGCGCTTCATCTTCAGTGCCCCGGGGGTCACTTCCTGGCAGTACACCCTCCTCCAGCTCC[A>G]GGCAAGGACCACCCTGTCCTCTCTGTCATGCTTCCCTCCGACCCGCAGGGCTGGCTCTTC-3'
Protein context (NP_055553.3, residues 308-328): TSWQYTLLQL[Gln318Arg]VNGVLPILPL

ClinVar aggregate classification (germline): Uncertain significance (0 of 4 stars; one submission).

Conditions:
Prostate cancer. Also called: Malignant tumor of prostate. Identifiers: Orphanet 1331, MedGen C0376358, MONDO:0008315, HP:0012125.

Submission:

Science for Life laboratory,  Karolinska Institutet
Classification: Uncertain significance for Malignant tumor of prostate. Review status: no assertion criteria provided. Collection method: not provided. Allele origin: somatic.
Comment: TumorID:SWE-90A
ClinVar note: Converted during submission from Unknown to Uncertain significance.